The following is an entry in ClinVar:

ClinVar aggregate classification (germline): Uncertain significance (1 of 4 stars; one submission).

Allele frequency attached by ClinVar (database versions not stated): gnomAD exomes 0.00001; gnomAD 0.00006; TOPMed 0.00007.

Submission:

Labcorp Genetics (formerly Invitae), Labcorp
Classification: Uncertain significance. Last evaluated: 2022-03-19. Review status: criteria provided, single submitter. Criteria: Invitae Variant Classification Sherloc (09022015). Collection method: clinical testing. Allele origin: germline.
Comment: Experimental studies and prediction algorithms are not available or were not evaluated, and the functional significance of this variant is currently unknown. ClinVar contains an entry for this variant (Variation ID: 1022439). This variant has not been reported in the literature in individuals affected with FOXI3-related conditions. This variant is present in population databases (no rsID available, gnomAD 0.01%). This sequence change replaces serine, which is neutral and polar, with asparagine, which is neutral and polar, at codon 389 of the FOXI3 protein (p.Ser389Asn). In summary, the available evidence is currently insufficient to determine the role of this variant in disease. Therefore, it has been classified as a Variant of Uncertain Significance.

NM_001135649.3(FOXI3):c.1166G>A (p.Ser389Asn)

Gene: FOXI3 (forkhead box I3; minus strand). Cytogenetic location: 2p11.2.
Variant type: single nucleotide variant.
Coding change: c.1166G>A on transcript NM_001135649.3 (MANE Select); coding-DNA position 1166, G replaced by A.
Protein change: p.Ser389Asn; replaces serine 389 with asparagine.
Molecular consequence: missense variant.
Genome position (GRCh38, 1-based): chr2:88,448,304, C>T on the plus strand (G>A on the coding strand, the complement: FOXI3 is on the minus strand). VCF-style: chr2-88448304-C-T. GRCh37 (hg19) VCF-style: chr2-88747823-C-T.
Other names: short protein forms S389N.
Identifiers: ClinVar variation 1022439 (VCV001022439.6), dbSNP rs979385191, ClinGen allele CA51943825.
Genomic context (GRCh38, chr2:88,448,304, plus strand): 5'-TTCACCATGCTAAAGTTGTGGAAAGGGCTGCTGAAGGGGCTGCTTTGCCCCCCGCTGGTG[C>T]TGGCAGGGAAAGGGCTGTAATAGGAAGATCTCTGGCCGGTGCTATTGCTGGTGCTATTGC-3'
Protein context (NP_001129121.1, residues 379-399): RSSYYSPFPA[Ser389Asn]TSGGQSSPFS